The following is an entry in ClinVar:

NC_000016.9:g.(?_4390320)_(4391525_?)del

Genes: CORO7-PAM16 (CORO7-PAM16 readthrough; minus strand), PAM16 (presequence translocase associated motor 16; minus strand). Cytogenetic location: 16p13.3.
Variant type: Deletion.
Identifiers: ClinVar variation 1412016 (VCV001412016.6).

ClinVar aggregate classification (germline): Uncertain significance (1 of 4 stars; one submission).

Submission:

Labcorp Genetics (formerly Invitae), Labcorp
Classification: Uncertain significance. Last evaluated: 2021-03-27. Review status: criteria provided, single submitter. Criteria: Invitae Variant Classification Sherloc (09022015). Collection method: clinical testing. Allele origin: germline.
Comment: This variant is a gross deletion of the genomic region encompassing exon(s) 3-5 of the PAM16 gene. The 5' boundary is likely confined to intron 2. The 3' end of this event is unknown as it extends through the termination codon beyond the assayed region for this gene and may encompass additional genes. While this deletion is not anticipated to lead to nonsense mediated decay, it is expected to alter mRNA translation or result in a truncated protein product. In summary, the available evidence is currently insufficient to determine the role of this variant in disease. Therefore, it has been classified as a Variant of Uncertain Significance. This variant has not been reported in the literature in individuals with PAM16-related conditions.